The following is an entry in ClinVar:

ClinVar aggregate classification (germline): Uncertain significance (1 of 4 stars; one submission).

Conditions:
Nephronophthisis. Also called: Juvenile Nephronophthisis. Identifiers: Orphanet 655, MedGen C0687120, MONDO:0019005, HP:0000090.

Allele frequency attached by ClinVar (database versions not stated): gnomAD 0.00001; gnomAD exomes 0.00001 and 0.00002; TOPMed 0.00001; ESP Exome Variant Server 0.00008.

Submission:

Labcorp Genetics (formerly Invitae), Labcorp
Classification: Uncertain significance for Nephronophthisis. Last evaluated: 2021-10-29. Review status: criteria provided, single submitter. Criteria: Invitae Variant Classification Sherloc (09022015). Collection method: clinical testing. Allele origin: germline.
Comment: This sequence change replaces arginine, which is basic and polar, with histidine, which is basic and polar, at codon 807 of the NPHP4 protein (p.Arg807His). This variant is present in population databases (rs376079994, gnomAD 0.007%). This variant has not been reported in the literature in individuals affected with NPHP4-related conditions. Algorithms developed to predict the effect of missense changes on protein structure and function (SIFT, PolyPhen-2, Align-GVGD) all suggest that this variant is likely to be tolerated. In summary, the available evidence is currently insufficient to determine the role of this variant in disease. Therefore, it has been classified as a Variant of Uncertain Significance.

NM_015102.5(NPHP4):c.2420G>A (p.Arg807His)

Gene: NPHP4 (nephrocystin 4; minus strand). Cytogenetic location: 1p36.31.
Variant type: single nucleotide variant.
Coding change: c.2420G>A on transcript NM_015102.5 (MANE Select); coding-DNA position 2420, G replaced by A.
Protein change: p.Arg807His; replaces arginine 807 with histidine.
Molecular consequence: missense variant. On other transcripts: non-coding transcript variant (1).
Genome position (GRCh38, 1-based): chr1:5,887,351, C>T on the plus strand (G>A on the coding strand, the complement: NPHP4 is on the minus strand). VCF-style: chr1-5887351-C-T. GRCh37 (hg19) VCF-style: chr1-5947411-C-T.
Other names: c.881G>A, p.Arg294His (NM_001291593.2); c.884G>A, p.Arg295His (NM_001291594.2); short protein forms R295H, R294H, R807H.
Identifiers: ClinVar variation 1400373 (VCV001400373.3), dbSNP rs376079994, ClinGen allele CA17147378.
Genomic context (GRCh38, chr1:5,887,351, plus strand): 5'-TTGGCCAAAGTCAGGTGCAGCCGGCCCTTCACCACCGAGTGGACGCCGATGGGCTTGACG[C>T]GGCCAAACCCCAGCATGTCTCCACTCACCACCATGTTGTCCTGCTCGTATTCAGTTGCCA-3'
Protein context (NP_055917.1, residues 797-817): VVSGDMLGFG[Arg807His]VKPIGVHSVV